The following is an entry in ClinVar:

NM_014014.5(SNRNP200):c.3897C>G (p.Thr1299=)

Gene: SNRNP200 (small nuclear ribonucleoprotein U5 subunit 200; minus strand). Cytogenetic location: 2q11.2.
Variant type: single nucleotide variant.
Coding change: c.3897C>G on transcript NM_014014.5 (MANE Select); coding-DNA position 3897, C replaced by G.
Protein change: p.Thr1299=; no amino-acid change (threonine 1299 retained).
Molecular consequence: synonymous variant.
Genome position (GRCh38, 1-based): chr2:96,286,417, G>C on the plus strand (C>G on the coding strand, the complement: SNRNP200 is on the minus strand). VCF-style: chr2-96286417-G-C. GRCh37 (hg19) VCF-style: chr2-96952155-G-C.
Identifiers: ClinVar variation 500139 (VCV000500139.46), dbSNP rs144934076, ClinGen allele CA1778350.

ClinVar aggregate classification (germline): Conflicting classifications of pathogenicity. Review status: criteria provided, conflicting classifications (1 of 4 stars). 7 submissions from 7 submitters: Uncertain significance (1); Benign (1); Likely benign (3). 2 of the submissions do not count toward it. Last evaluated 2026-01-26.

Conditions:
Retinitis pigmentosa (RP). Identifiers: Orphanet 791, MedGen C0035334, MeSH D012174, MONDO:0019200, OMIM 268000. Inheritance: Autosomal dominant, autosomal recessive and X linked inheritance.

Allele frequency attached by ClinVar (database versions not stated): 1000 Genomes Project 30x 0.00016; 1000 Genomes Project 0.00020; TOPMed 0.00058; ESP Exome Variant Server 0.00085.
gnomAD v4.1: 1,250 of 1,614,170 alleles (0.077%); highest among the groups gnomAD compares: Non-Finnish European, 0.097%; 3 homozygotes.

Submissions (7):

Labcorp Genetics (formerly Invitae), Labcorp
Classification: Benign. Last evaluated: 2026-01-26. Review status: criteria provided, single submitter. Criteria: Invitae Variant Classification Sherloc (09022015). Collection method: clinical testing. Allele origin: germline.

Blueprint Genetics
Classification: Likely benign. Last evaluated: 2024-11-22. Review status: criteria provided, single submitter. Criteria: ACMG Guidelines, 2015. Collection method: clinical testing. Allele origin: germline.

CeGaT Center for Human Genetics Tuebingen
Classification: Likely benign. Last evaluated: 2024-02-01. Review status: criteria provided, single submitter. Criteria: CeGaT Center For Human Genetics Tuebingen Variant Classification Criteria Version 2. Collection method: clinical testing. Allele origin: germline. Affected: yes. Observed: 1 variant allele.
Comment: SNRNP200: BP4, BP7

Illumina Laboratory Services, Illumina
Classification: Likely benign for Retinitis pigmentosa. Last evaluated: 2018-01-13. Review status: criteria provided, single submitter. Criteria: ICSL Variant Classification Criteria 13 December 2019. Collection method: clinical testing. Allele origin: germline.
Comment: This variant was observed in the ICSL laboratory as part of a predisposition screen in an ostensibly healthy population. It had not been previously curated by ICSL or reported in the Human Gene Mutation Database (HGMD: prior to June 1st, 2018), and was therefore a candidate for classification through an automated scoring system. Utilizing variant allele frequency, disease prevalence and penetrance estimates, and inheritance mode, an automated score was calculated to assess if this variant is too frequent to cause the disease. Based on the score and internal cut-off values, a variant classified as likely benign is not then subjected to further curation. The score for this variant resulted in a classification of likely benign for this disease.

Eurofins Ntd Llc (ga)
Classification: Uncertain significance. Last evaluated: 2017-02-06. Review status: criteria provided, single submitter. Criteria: EGL Classification Definitions 2015. Collection method: clinical testing. Allele origin: germline. Observed: 1 variant allele, 1 heterozygote.

Clinical Genetics DNA and cytogenetics Diagnostics Lab, Erasmus MC, Erasmus Medical Center
Classification: Likely benign. Review status: no assertion criteria provided. Collection method: clinical testing. Allele origin: germline. Affected: yes. Study: VKGL Data-share Consensus. Not counted in ClinVar's aggregate classification.

Clinical Genetics, Academic Medical Center
Classification: Benign. Review status: no assertion criteria provided. Collection method: clinical testing. Allele origin: germline. Affected: yes. Study: VKGL Data-share Consensus. Not counted in ClinVar's aggregate classification.